The following is an entry in ClinVar:

NM_000135.4(FANCA):c.85A>G (p.Arg29Gly)

Gene: FANCA (FA complementation group A; minus strand). Cytogenetic location: 16q24.3.
Variant type: single nucleotide variant.
Coding change: c.85A>G on transcript NM_000135.4 (MANE Select); coding-DNA position 85, A replaced by G.
Protein change: p.Arg29Gly; replaces arginine 29 with glycine.
Molecular consequence: missense variant.
Genome position (GRCh38, 1-based): chr16:89,815,981, T>C on the plus strand (A>G on the coding strand, the complement: FANCA is on the minus strand). VCF-style: chr16-89815981-T-C. GRCh37 (hg19) VCF-style: chr16-89882389-T-C.
Other names: c.85A>G, p.Arg29Gly (NM_001018112.3, NM_001286167.3, NM_001351830.2); short protein forms R29G.
Identifiers: ClinVar variation 2681912 (VCV002681912.2), dbSNP rs2143724622, ClinGen allele CA397483794.

ClinVar aggregate classification (germline): Uncertain significance. Review status: criteria provided, multiple submitters, no conflicts (2 of 4 stars). 2 submissions from 2 submitters: Uncertain significance (2). Last evaluated 2025-06-07.

Conditions:
Inborn genetic diseases. Identifiers: MedGen C0950123, MeSH D030342.

Allele frequency attached by ClinVar (database versions not stated): gnomAD exomes below 0.00001.

Submissions (2):

Ambry Genetics
Classification: Uncertain significance for Inborn genetic diseases. Last evaluated: 2025-06-07. Review status: criteria provided, single submitter. Criteria: Ambry Variant Classification Scheme 2023. Collection method: clinical testing. Allele origin: germline.
Comment: The p.R29G variant (also known as c.85A>G), located in coding exon 2 of the FANCA gene, results from an A to G substitution at nucleotide position 85. The arginine at codon 29 is replaced by glycine, an amino acid with dissimilar properties. This amino acid position is conserved. In addition, this alteration is predicted to be deleterious by in silico analysis. Based on the available evidence, the clinical significance of this variant remains unclear.

Quest Diagnostics Nichols Institute San Juan Capistrano
Classification: Uncertain significance. Last evaluated: 2023-05-22. Review status: criteria provided, single submitter. Criteria: Quest Diagnostics criteria. Collection method: clinical testing. Allele origin: unknown.
Comment: To the best of our knowledge, this variant has not been reported in the published literature. It also has not been reported in large, multi-ethnic general populations (Genome Aggregation Database). Analysis of this variant using bioinformatics tools for the prediction of the effect of amino acid changes on protein structure and function yielded conflicting predictions that this variant is benign or damaging. Based on the available information, we are unable to determine the clinical significance of this variant.